The following is an entry in ClinVar:

NM_001163435.3(TBCK):c.1577C>G (p.Ala526Gly)

Gene: TBCK (TBC1 domain containing kinase; minus strand). Cytogenetic location: 4q24.
Variant type: single nucleotide variant.
Coding change: c.1577C>G on transcript NM_001163435.3 (MANE Select); coding-DNA position 1577, C replaced by G.
Protein change: p.Ala526Gly; replaces alanine 526 with glycine.
Molecular consequence: missense variant.
Genome position (GRCh38, 1-based): chr4:106,233,000, G>C on the plus strand (C>G on the coding strand, the complement: TBCK is on the minus strand). VCF-style: chr4-106233000-G-C. GRCh37 (hg19) VCF-style: chr4-107154157-G-C.
Other names: c.1577C>G, p.Ala526Gly (NM_001163436.4); c.1460C>G, p.Ala487Gly (NM_001163437.3); c.1061C>G, p.Ala354Gly (NM_001290768.2); c.1388C>G, p.Ala463Gly (NM_033115.5); c.1577C>G (NM_001163435.1); short protein forms A463G, A526G, A354G, A487G.
Identifiers: ClinVar variation 1349368 (VCV001349368.7), dbSNP rs754632132, ClinGen allele CA3035017.

ClinVar aggregate classification (germline): Uncertain significance. Review status: criteria provided, multiple submitters, no conflicts (2 of 4 stars). 2 submissions from 2 submitters: Uncertain significance (2). Last evaluated 2025-05-05.

Conditions:
Inborn genetic diseases. Identifiers: MedGen C0950123, MeSH D030342.

Allele frequency attached by ClinVar (database versions not stated): gnomAD 0.00001; gnomAD exomes 0.00001; ExAC 0.00002.
gnomAD v4.1: 9 of 1,612,194 alleles (0.00056%); highest among the groups gnomAD compares: African/African-American, 0.0013%; no homozygotes.

Submissions (2):

Ambry Genetics
Classification: Uncertain significance for Inborn genetic diseases. Last evaluated: 2025-05-05. Review status: criteria provided, single submitter. Criteria: Ambry Variant Classification Scheme 2023. Collection method: clinical testing. Allele origin: germline.

Labcorp Genetics (formerly Invitae), Labcorp
Classification: Uncertain significance. Last evaluated: 2021-11-24. Review status: criteria provided, single submitter. Criteria: Invitae Variant Classification Sherloc (09022015). Collection method: clinical testing. Allele origin: germline.
Comment: In summary, the available evidence is currently insufficient to determine the role of this variant in disease. Therefore, it has been classified as a Variant of Uncertain Significance. Algorithms developed to predict the effect of missense changes on protein structure and function (SIFT, PolyPhen-2, Align-GVGD) all suggest that this variant is likely to be tolerated. This variant has not been reported in the literature in individuals affected with TBCK-related conditions. This variant is present in population databases (rs754632132, gnomAD 0.002%). This sequence change replaces alanine, which is neutral and non-polar, with glycine, which is neutral and non-polar, at codon 526 of the TBCK protein (p.Ala526Gly).